The following is an entry in ClinVar:

NM_000138.5(FBN1):c.757A>G (p.Ile253Val)

Gene: FBN1 (fibrillin 1; minus strand). Cytogenetic location: 15q21.1.
Variant type: single nucleotide variant.
Coding change: c.757A>G on transcript NM_000138.5 (MANE Select); coding-DNA position 757, A replaced by G.
Protein change: p.Ile253Val; replaces isoleucine 253 with valine.
Molecular consequence: missense variant.
Genome position (GRCh38, 1-based): chr15:48,534,185, T>C on the plus strand (A>G on the coding strand, the complement: FBN1 is on the minus strand). VCF-style: chr15-48534185-T-C. GRCh37 (hg19) VCF-style: chr15-48826382-T-C.
Other names: short protein forms I253V.
Identifiers: ClinVar variation 1368926 (VCV001368926.6), dbSNP rs1422959121, ClinGen allele CA392352768.
Genomic context (GRCh38, chr15:48,534,185, plus strand): 5'-ATTTGCACTCAAAAGACCCAACAGTATTAATGCAATTTCCTCCCTGACAGAGCCCGGGGA[T>C]GGCCTGGCATTCATCCACATCTGTCAGATTACAGAAGACAGAGAGAAAAAAAAAAAACTC-3'
Protein context (NP_000129.3, residues 243-263): ACQDVDECQA[Ile253Val]PGLCQGGNCI

ClinVar aggregate classification (germline): Uncertain significance (1 of 4 stars; one submission).

Conditions:
Marfan syndrome (MFS). Also called: Marfan syndrome type 1; Marfan's syndrome; FBN1-Related Marfan Syndrome; MARFAN SYNDROME, TYPE I; Marfan syndrome, classic. Identifiers: Orphanet 284963, Orphanet 558, MedGen C0024796, MONDO:0007947, OMIM 154700.
Familial thoracic aortic aneurysm and aortic dissection (TAAD). Also called: Thoracic aortic aneurysms and dissections. Identifiers: Orphanet 91387, MedGen C4707243, MONDO:0019625.

Allele frequency attached by ClinVar (database versions not stated): gnomAD 0.00001; TOPMed 0.00001.
gnomAD v4.1: 1 of 1,612,724 alleles (0.000062%); highest among the groups gnomAD compares: African/African-American, 0.0013%; no homozygotes.

Submission:

Labcorp Genetics (formerly Invitae), Labcorp
Classification: Uncertain significance for Marfan syndrome; Familial thoracic aortic aneurysm and aortic dissection. Last evaluated: 2025-01-22. Review status: criteria provided, single submitter. Criteria: Invitae Variant Classification Sherloc (09022015). Collection method: clinical testing. Allele origin: germline.
Comment: This sequence change replaces isoleucine, which is neutral and non-polar, with valine, which is neutral and non-polar, at codon 253 of the FBN1 protein (p.Ile253Val). This variant is not present in population databases (gnomAD no frequency). This variant has not been reported in the literature in individuals affected with FBN1-related conditions. ClinVar contains an entry for this variant (Variation ID: 1368926). Invitae Evidence Modeling of protein sequence and biophysical properties (such as structural, functional, and spatial information, amino acid conservation, physicochemical variation, residue mobility, and thermodynamic stability) indicates that this missense variant is not expected to disrupt FBN1 protein function with a negative predictive value of 95%. In summary, the available evidence is currently insufficient to determine the role of this variant in disease. Therefore, it has been classified as a Variant of Uncertain Significance.